The following is an entry in ClinVar:

ClinVar aggregate classification (germline): Uncertain significance (1 of 4 stars; one submission).

Conditions:
Hereditary cancer-predisposing syndrome. Also called: Neoplastic Syndromes, Hereditary; Tumor predisposition; Hereditary Cancer Syndrome; Hereditary neoplastic syndrome. Identifiers: Orphanet 140162, MedGen C0027672, MeSH D009386, MONDO:0015356.

Submission:

Ambry Genetics
Classification: Uncertain significance for Hereditary cancer-predisposing syndrome. Last evaluated: 2022-10-09. Review status: criteria provided, single submitter. Criteria: Ambry Variant Classification Scheme 2023. Collection method: clinical testing. Allele origin: germline.
Comment: The p.Y223S variant (also known as c.668A>C), located in coding exon 2 of the HOXB13 gene, results from an A to C substitution at nucleotide position 668. The tyrosine at codon 223 is replaced by serine, an amino acid with dissimilar properties. This amino acid position is conserved. In addition, this alteration is predicted to be deleterious by in silico analysis. Since supporting evidence is limited at this time, the clinical significance of this alteration remains unclear.

NM_006361.6(HOXB13):c.668A>C (p.Tyr223Ser)

Gene: HOXB13 (homeobox B13; minus strand). Cytogenetic location: 17q21.32.
Variant type: single nucleotide variant.
Coding change: c.668A>C on transcript NM_006361.6 (MANE Select); coding-DNA position 668, A replaced by C.
Protein change: p.Tyr223Ser; replaces tyrosine 223 with serine.
Molecular consequence: missense variant.
Genome position (GRCh38, 1-based): chr17:48,726,977, T>G on the plus strand (A>C on the coding strand, the complement: HOXB13 is on the minus strand). VCF-style: chr17-48726977-T-G. GRCh37 (hg19) VCF-style: chr17-46804339-T-G.
Other names: short protein forms Y223S.
Identifiers: ClinVar variation 1754884 (VCV001754884.2), dbSNP rs2038218249, ClinGen allele CA400106748.